The following is an entry in ClinVar:

ClinVar aggregate classification (germline): Uncertain significance. Review status: criteria provided, multiple submitters, no conflicts (2 of 4 stars). 3 submissions from 3 submitters: Uncertain significance (3). Last evaluated 2022-08-13.

Conditions:
Inborn genetic diseases. Identifiers: MedGen C0950123, MeSH D030342.
Carnitine acylcarnitine translocase deficiency (CACTD). Identifiers: Orphanet 159, MedGen C0342791, MONDO:0008918, OMIM 212138.

Allele frequency attached by ClinVar (database versions not stated): ExAC 0.00002; gnomAD exomes 0.00002; TOPMed 0.00003; gnomAD 0.00004; 1000 Genomes Project 30x 0.00016.
gnomAD v4.1: 34 of 1,611,224 alleles (0.0021%); highest among the groups gnomAD compares: Admixed American, 0.005%; no homozygotes.

Submissions (4):

Labcorp Genetics (formerly Invitae), Labcorp
Classification: Uncertain significance for Carnitine acylcarnitine translocase deficiency. Last evaluated: 2022-08-13. Review status: criteria provided, single submitter. Criteria: Invitae Variant Classification Sherloc (09022015). Collection method: clinical testing. Allele origin: germline.
Comment: This sequence change falls in intron 3 of the SLC25A20 gene. It does not directly change the encoded amino acid sequence of the SLC25A20 protein. This variant is present in population databases (rs113818669, gnomAD 0.004%). This variant has not been reported in the literature in individuals affected with SLC25A20-related conditions. ClinVar contains an entry for this variant (Variation ID: 966443). Algorithms developed to predict the effect of sequence changes on RNA splicing suggest that this variant may disrupt the consensus splice site. In summary, the available evidence is currently insufficient to determine the role of this variant in disease. Therefore, it has been classified as a Variant of Uncertain Significance.

Ambry Genetics
Classification: Uncertain significance for Inborn genetic diseases. Last evaluated: 2021-01-08. Review status: criteria provided, single submitter. Criteria: Ambry Variant Classification Scheme 2023. Collection method: clinical testing. Allele origin: germline.
Comment: The c.327-6A>G intronic alteration consists of an A to G substitution 6 nucleotides before exon 4 (coding exon 4) of the SLC25A20 gene. In silico splice site analysis predicts that this alteration may weaken the native splice acceptor site and will result in the creation or strengthening of a novel splice acceptor site. Based on insufficient or conflicting evidence, the clinical significance of this alteration remains unclear.

GeneDx
Classification: Uncertain significance. Last evaluated: 2019-08-19. Review status: criteria provided, single submitter. Criteria: GeneDx Variant Classification Process June 2021. Collection method: clinical testing. Allele origin: germline. Affected: yes.
Comment: Not observed at a significant frequency in large population cohorts (Lek et al., 2016); In silico analysis, which includes splice predictors and evolutionary conservation, supports a deleterious effect; Has not been previously published as pathogenic or benign to our knowledge

Dr. Peter K. Rogan Lab, Western University
No classification provided (evidence only). Condition: Ovarian serous cystadenocarcinoma. Review status: no classification provided. Collection method: in vitro. Allele origin: not applicable. Functional consequence: retained intron. Not counted in ClinVar's aggregate classification.

NM_000387.6(SLC25A20):c.327-6A>G

Gene: SLC25A20 (solute carrier family 25 member 20; minus strand). Cytogenetic location: 3p21.31.
Variant type: single nucleotide variant.
Coding change: c.327-6A>G on transcript NM_000387.6 (MANE Select); 6 bases into the intron before coding-DNA position 327, A replaced by G.
Molecular consequence: intron variant.
Genome position (GRCh38, 1-based): chr3:48,879,454, T>C on the plus strand (A>G on the coding strand, the complement: SLC25A20 is on the minus strand). VCF-style: chr3-48879454-T-C. GRCh37 (hg19) VCF-style: chr3-48916887-T-C.
Identifiers: ClinVar variation 966443 (VCV000966443.8), dbSNP rs113818669, ClinGen allele CA2387420.